The following is an entry in ClinVar:

NM_004960.3(FUS):c.*814T>C

Gene: FUS (FUS DNA/RNA binding protein; plus strand). Cytogenetic location: 16p11.2.
Variant type: single nucleotide variant.
Coding change: c.*814T>C on transcript NM_004960.3; 814 bases downstream of the stop codon, T replaced by C.
Molecular consequence: 3 prime UTR variant (on NM_001170634.1). On other transcripts: non-coding transcript variant (1).
Genome position (GRCh38, 1-based): chr16:31,192,252, T>C. VCF-style: chr16-31192252-T-C. GRCh37 (hg19) VCF-style: chr16-31203573-T-C.
Other names: c.*814T>C (NM_001170634.1, NM_001170937.1).
Identifiers: ClinVar variation 885515 (VCV000885515.6), dbSNP rs772679520, ClinGen allele CA8024209.
Genomic context (GRCh38, chr16:31,192,252, plus strand): 5'-TGTACTCAGAGGGCTTGAGGTCATTGACATTATGAGATTTTAGGCTTGATCCCTTTTTGA[T>C]TGGAGGGTGGAAGGCCCTCCTAAGGGAATGATAAGTGATAAGAGGGGGAAGGGGTTGCAG-3'

ClinVar aggregate classification (germline): Likely benign (1 of 4 stars; one submission).

Conditions:
Amyotrophic lateral sclerosis type 6. Also called: FUS-Related Amyotrophic Laterial Sclerosis; AMYOTROPHIC LATERAL SCLEROSIS 6 WITHOUT FRONTOTEMPORAL DEMENTIA; Amyotrophic lateral sclerosis 6, with or without frontotemporal dementia. Identifiers: Orphanet 275872, Orphanet 803, MedGen C2931786, MONDO:0011951, OMIM 608030.

Allele frequency attached by ClinVar (database versions not stated): gnomAD below 0.00001 and 0.00006; 1000 Genomes Project 30x 0.00016; gnomAD exomes 0.00022 and 0.00020; TOPMed below 0.00001; ExAC 0.00074.
gnomAD v4.1: 86 of 526,440 alleles (0.016%); highest among the groups gnomAD compares: South Asian, 0.13%; no homozygotes.

Submission:

Illumina Laboratory Services, Illumina
Classification: Likely benign for Amyotrophic lateral sclerosis type 6. Last evaluated: 2018-01-12. Review status: criteria provided, single submitter. Criteria: ICSL Variant Classification Criteria 13 December 2019. Collection method: clinical testing. Allele origin: germline.
Comment: This variant was observed in the ICSL laboratory as part of a predisposition screen in an ostensibly healthy population. It had not been previously curated by ICSL or reported in the Human Gene Mutation Database (HGMD: prior to June 1st, 2018), and was therefore a candidate for classification through an automated scoring system. Utilizing variant allele frequency, disease prevalence and penetrance estimates, and inheritance mode, an automated score was calculated to assess if this variant is too frequent to cause the disease. Based on the score and internal cut-off values, a variant classified as likely benign is not then subjected to further curation. The score for this variant resulted in a classification of likely benign for this disease.